The following is an entry in ClinVar:

NM_001042492.3(NF1):c.1212_1213insCGAA (p.Thr405fs)

Gene: NF1 (neurofibromin 1; plus strand). Cytogenetic location: 17q11.2.
Variant type: Insertion.
Coding change: c.1212_1213insCGAA on transcript NM_001042492.3 (MANE Select); coding-DNA positions 1212 to 1213, CGAA inserted.
Protein change: p.Thr405fs; shifts the reading frame from threonine 405.
Molecular consequence: frameshift variant.
Genome position: GRCh38 VCF-style: chr17-31201437-T-TCGAA. GRCh37 (hg19) VCF-style: chr17-29528455-T-TCGAA.
Other names: c.1212_1213insCGAA, p.Thr405fs (NM_001128147.3); c.1212_1213insCGAA, p.Thr405Argfs (NM_000267.4); short protein forms T405fs.
Identifiers: ClinVar variation 1453671 (VCV001453671.6), dbSNP rs2143886056, ClinGen allele CA2573153589.
Genomic context (GRCh38, chr17:31,201,437, plus strand): 5'-GAAATAATCTGCTTTTTTTTTTCTTTTTCTATAGATCTGCCTGGCTCAGAATTCACCTTC[T>TCGAA]ACATTTCACTATGTGCTGGTAAATTCACTCCATCGAATCATCACCAATGTAAGTCCAAAA-3'

ClinVar aggregate classification (germline): Pathogenic (1 of 4 stars; one submission).

Conditions:
Neurofibromatosis, type 1 (NF1). Also called: Neurofibromatosis, type I; VON RECKLINGHAUSEN DISEASE; NEUROFIBROMATOSIS, TYPE I, SOMATIC; Peripheral type neurofibromatosis. Identifiers: Orphanet 636, MedGen C0027831, MONDO:0018975, OMIM 162200. Disease mechanism: loss of function.

Submission:

Labcorp Genetics (formerly Invitae), Labcorp
Classification: Pathogenic for Neurofibromatosis, type 1. Last evaluated: 2021-10-02. Review status: criteria provided, single submitter. Criteria: Invitae Variant Classification Sherloc (09022015). Collection method: clinical testing. Allele origin: germline.
Comment: For these reasons, this variant has been classified as Pathogenic. This variant has not been reported in the literature in individuals affected with NF1-related conditions. This variant is not present in population databases (ExAC no frequency). This sequence change creates a premature translational stop signal (p.Thr405Argfs*25) in the NF1 gene. It is expected to result in an absent or disrupted protein product. Loss-of-function variants in NF1 are known to be pathogenic (PMID: 10712197, 23913538).

Literature cited by the submitters: PubMed 10712197; PubMed 23913538.